The following is an entry in ClinVar:

ClinVar aggregate classification (germline): Conflicting classifications of pathogenicity. Review status: criteria provided, conflicting classifications (1 of 4 stars). 5 submissions from 5 submitters: Uncertain significance (4); Likely benign (1). Last evaluated 2025-10-03.

Conditions:
Primary ciliary dyskinesia. Also called: Ciliary dyskinesia. Identifiers: Orphanet 244, MedGen C0008780, MONDO:0016575, HP:0012265.

Allele frequency attached by ClinVar (database versions not stated): 1000 Genomes Project 0.00020; TOPMed 0.00024; ExAC 0.00025; ESP Exome Variant Server 0.00031; 1000 Genomes Project 30x 0.00047.
gnomAD v4.1: 913 of 1,613,976 alleles (0.057%); highest among the groups gnomAD compares: Non-Finnish European, 0.075%; no homozygotes.

Submissions (5):

Labcorp Genetics (formerly Invitae), Labcorp
Classification: Likely benign for Primary ciliary dyskinesia. Last evaluated: 2025-10-03. Review status: criteria provided, single submitter. Criteria: Invitae Variant Classification Sherloc (09022015). Collection method: clinical testing. Allele origin: germline.

GeneDx
Classification: Uncertain significance. Last evaluated: 2025-03-23. Review status: criteria provided, single submitter. Criteria: GeneDx Variant Classification Process June 2021. Collection method: clinical testing. Allele origin: germline. Affected: yes.
Comment: In silico analysis supports that this missense variant has a deleterious effect on protein structure/function; Has not been previously published as pathogenic or benign to our knowledge

Blueprint Genetics
Classification: Uncertain significance. Last evaluated: 2024-09-06. Review status: criteria provided, single submitter. Criteria: ACMG Guidelines, 2015. Collection method: clinical testing. Allele origin: germline.

Ambry Genetics
Classification: Uncertain significance for Primary ciliary dyskinesia. Last evaluated: 2016-09-14. Review status: criteria provided, single submitter. Criteria: Ambry Variant Classification Scheme 2023. Collection method: clinical testing. Allele origin: germline.
Comment: The p.R529W variant (also known as c.1585C>T), located in coding exon 12 of the DNAH5 gene, results from a C to T substitution at nucleotide position 1585. The arginine at codon 529 is replaced by tryptophan, an amino acid with dissimilar properties. This variant was previously reported in the SNPDatabase as rs200452908. Based on data from the 1000 Genomes Project, the T allele has an overall frequency of approximately 0% (0/2098) total alleles studied.. Based on data from the NHLBI Exome Sequencing Project (ESP), the T allele has an overall frequency of approximately 0.03% (4/13004) total alleles studied and 0.05% (4/8600) European American alleles. This amino acid position is well conserved in available vertebrate species. In addition, the in silico prediction for this alteration is inconclusive. Since supporting evidence is limited at this time, the clinical significance of this alteration remains unclear.

Eurofins Ntd Llc (ga)
Classification: Uncertain significance. Last evaluated: 2015-02-24. Review status: criteria provided, single submitter. Criteria: EGL Classification Definitions 2015. Collection method: clinical testing. Allele origin: germline. Observed: 1 variant allele, 1 heterozygote.

NM_001369.3(DNAH5):c.1585C>T (p.Arg529Trp)

Gene: DNAH5 (dynein axonemal heavy chain 5; minus strand). Cytogenetic location: 5p15.2.
Variant type: single nucleotide variant.
Coding change: c.1585C>T on transcript NM_001369.3 (MANE Select); coding-DNA position 1585, C replaced by T.
Protein change: p.Arg529Trp; replaces arginine 529 with tryptophan.
Molecular consequence: missense variant.
Genome position (GRCh38, 1-based): chr5:13,911,445, G>A on the plus strand (C>T on the coding strand, the complement: DNAH5 is on the minus strand). VCF-style: chr5-13911445-G-A. GRCh37 (hg19) VCF-style: chr5-13911554-G-A.
Other names: short protein forms R529W.
Identifiers: ClinVar variation 194035 (VCV000194035.22), dbSNP rs200452908, ClinGen allele CA239818.